The following is an entry in ClinVar:

ClinVar aggregate classification (germline): Uncertain significance (1 of 4 stars; one submission).

Conditions:
Beckwith-Wiedemann syndrome (BWS). Also called: EMG SYNDROME; Exomphalos macroglossia gigantism syndrome. Identifiers: Orphanet 116, MedGen C0004903, MONDO:0007534, OMIM 130650.

Submission:

Labcorp Genetics (formerly Invitae), Labcorp
Classification: Uncertain significance for Beckwith-Wiedemann syndrome. Last evaluated: 2020-07-23. Review status: criteria provided, single submitter. Criteria: Invitae Variant Classification Sherloc (09022015). Collection method: clinical testing. Allele origin: germline.
Comment: In summary, the available evidence is currently insufficient to determine the role of this variant in disease. Therefore, it has been classified as a Variant of Uncertain Significance. Algorithms developed to predict the effect of missense changes on protein structure and function are either unavailable or do not agree on the potential impact of this missense change (SIFT: "Deleterious"; PolyPhen-2: "Probably Damaging"; Align-GVGD: "Class C0"). This variant has not been reported in the literature in individuals with CDKN1C-related conditions. This variant is not present in population databases (ExAC no frequency). This sequence change replaces proline with leucine at codon 74 of the CDKN1C protein (p.Pro74Leu). The proline residue is moderately conserved and there is a moderate physicochemical difference between proline and leucine.

NM_001122630.2(CDKN1C):c.188C>T (p.Pro63Leu)

Gene: CDKN1C (cyclin dependent kinase inhibitor 1C; minus strand). Cytogenetic location: 11p15.4.
Variant type: single nucleotide variant.
Coding change: c.188C>T on transcript NM_001122630.2 (MANE Select); coding-DNA position 188, C replaced by T.
Protein change: p.Pro63Leu; replaces proline 63 with leucine.
Molecular consequence: missense variant.
Genome position (GRCh38, 1-based): chr11:2,885,269, G>A on the plus strand (C>T on the coding strand, the complement: CDKN1C is on the minus strand). VCF-style: chr11-2885269-G-A. GRCh37 (hg19) VCF-style: chr11-2906499-G-A.
Other names: c.221C>T, p.Pro74Leu (NM_000076.2, NM_001362474.2); c.188C>T, p.Pro63Leu (NM_001122631.2, NM_001362475.2); short protein forms P63L, P74L.
Identifiers: ClinVar variation 1011922 (VCV001011922.8), dbSNP rs1848972207, ClinGen allele CA379147343.